The following is an entry in ClinVar:

NM_001048174.2(MUTYH):c.1193G>T (p.Arg398Leu)

Gene: MUTYH (mutY DNA glycosylase; minus strand). Cytogenetic location: 1p34.1.
Variant type: single nucleotide variant.
Coding change: c.1193G>T on transcript NM_001048174.2 (MANE Select); coding-DNA position 1193, G replaced by T.
Protein change: p.Arg398Leu; replaces arginine 398 with leucine.
Molecular consequence: missense variant. On other transcripts: non-coding transcript variant (2).
Genome position (GRCh38, 1-based): chr1:45,331,466, C>A on the plus strand (G>T on the coding strand, the complement: MUTYH is on the minus strand). VCF-style: chr1-45331466-C-A. GRCh37 (hg19) VCF-style: chr1-45797138-C-A.
Other names: c.1193G>T, p.Arg398Leu (NM_001048171.2, NM_001048173.2, NM_001293195.2); c.1196G>T, p.Arg399Leu (NM_001048172.2); c.1277G>T, p.Arg426Leu (NM_001128425.2); c.1238G>T, p.Arg413Leu (NM_001293190.2); c.1226G>T, p.Arg409Leu (NM_001293191.2); c.917G>T, p.Arg306Leu (NM_001293192.2, NM_001293196.2); c.848G>T, p.Arg283Leu (NM_001350650.2, NM_001350651.2); c.1268G>T, p.Arg423Leu (NM_012222.3); short protein forms R426L, R412L, R398L, R423L, R306L, R399L, R409L, R283L.
Identifiers: ClinVar variation 233962 (VCV000233962.22), dbSNP rs748700385, ClinGen allele CA055811.

ClinVar aggregate classification (germline): Uncertain significance. Review status: criteria provided, multiple submitters, no conflicts (2 of 4 stars). 4 submissions from 4 submitters: Uncertain significance (3). 1 of the submissions does not count toward it. Last evaluated 2026-01-10.

Conditions:
Hereditary cancer-predisposing syndrome. Also called: Tumor predisposition; Hereditary Cancer Syndrome; Neoplastic Syndromes, Hereditary; Hereditary neoplastic syndrome. Identifiers: Orphanet 140162, MedGen C0027672, MeSH D009386, MONDO:0015356.
Familial adenomatous polyposis 2. Also called: MYH-associated polyposis; FAP type 2; ADENOMAS, MULTIPLE COLORECTAL, AUTOSOMAL RECESSIVE; MUTYH Polyposis; MUTYH-associated polyposis; MUTYH-related attenuated familial adenomatous polyposis. Identifiers: Orphanet 220460, Orphanet 247798, MedGen C3272841, MONDO:0012041, OMIM 608456.

gnomAD v4.1: 33 of 1,614,104 alleles (0.002%); highest among the groups gnomAD compares: South Asian, 0.0033%; no homozygotes.

Submissions (4):

Labcorp Genetics (formerly Invitae), Labcorp
Classification: Uncertain significance for Familial adenomatous polyposis 2. Last evaluated: 2026-01-10. Review status: criteria provided, single submitter. Criteria: Invitae Variant Classification Sherloc (09022015). Collection method: clinical testing. Allele origin: germline.
Comment: This sequence change replaces arginine, which is basic and polar, with leucine, which is neutral and non-polar, at codon 426 of the MUTYH protein (p.Arg426Leu). This variant is present in population databases (rs748700385, gnomAD 0.003%). This variant has not been reported in the literature in individuals affected with MUTYH-related conditions. ClinVar contains an entry for this variant (Variation ID: 233962). An algorithm developed to predict the effect of missense changes on protein structure and function (PolyPhen-2) suggests that this variant is likely to be tolerated. In summary, the available evidence is currently insufficient to determine the role of this variant in disease. Therefore, it has been classified as a Variant of Uncertain Significance.

Ambry Genetics
Classification: Uncertain significance for Hereditary cancer-predisposing syndrome. Last evaluated: 2023-12-22. Review status: criteria provided, single submitter. Criteria: Ambry Variant Classification Scheme 2023. Collection method: clinical testing. Allele origin: germline.
Comment: The p.R426L variant (also known as c.1277G>T), located in coding exon 13 of the MUTYH gene, results from a G to T substitution at nucleotide position 1277. The arginine at codon 426 is replaced by leucine, an amino acid with dissimilar properties. This variant was reported in 2/60,466 breast cancer cases and in 0/53,461 controls (Dorling et al. N Engl J Med. 2021 02;384:428-439). This amino acid position is poorly conserved in available vertebrate species. In addition, this alteration is predicted to be tolerated by in silico analysis. Since supporting evidence is limited at this time, the clinical significance of this alteration remains unclear.

Color Diagnostics, LLC DBA Color Health
Classification: Uncertain significance for Hereditary cancer-predisposing syndrome. Last evaluated: 2023-03-02. Review status: criteria provided, single submitter. Criteria: ACMG Guidelines, 2015. Collection method: clinical testing. Allele origin: germline.
Comment: This missense variant replaces arginine with leucine at codon 426 of the MUTYH protein. Computational prediction suggests that this variant may not impact protein structure and function (internally defined REVEL score threshold <= 0.5, PMID: 27666373). To our knowledge, functional studies have not been performed for this variant. In a large international case-control study, this variant was reported in 2/60466 breast cancer cases and absent in 53461 controls (PMID: 33471991). This variant has been identified in 1/251262 chromosomes in the general population by the Genome Aggregation Database (gnomAD). The available evidence is insufficient to determine the role of this variant in disease conclusively. Therefore, this variant is classified as a Variant of Uncertain Significance.

Counsyl
Classification: Uncertain significance for Familial adenomatous polyposis 2. Last evaluated: 2016-08-02. Review status: no assertion criteria provided. Collection method: clinical testing. Allele origin: unknown. Not counted in ClinVar's aggregate classification.

Literature cited by the submitters: PubMed 16134147 (cited by Ambry Genetics); PubMed 16557584 (cited by Ambry Genetics); PubMed 33471991 (cited by Ambry Genetics and Color Diagnostics, LLC DBA Color Health).